The following is an entry in ClinVar:

NM_003906.5(MCM3AP):c.3955A>G (p.Thr1319Ala)

Gene: MCM3AP (minichromosome maintenance complex component 3 associated protein; minus strand). Cytogenetic location: 21q22.3.
Variant type: single nucleotide variant.
Coding change: c.3955A>G on transcript NM_003906.5 (MANE Select); coding-DNA position 3955, A replaced by G.
Protein change: p.Thr1319Ala; replaces threonine 1319 with alanine.
Molecular consequence: missense variant.
Genome position (GRCh38, 1-based): chr21:46,254,822, T>C on the plus strand (A>G on the coding strand, the complement: MCM3AP is on the minus strand). VCF-style: chr21-46254822-T-C. GRCh37 (hg19) VCF-style: chr21-47674736-T-C.
Other names: short protein forms T1319A.
Identifiers: ClinVar variation 1511944 (VCV001511944.3), dbSNP rs750741469, ClinGen allele CA10076307.

ClinVar aggregate classification (germline): Uncertain significance (1 of 4 stars; one submission).

Allele frequency attached by ClinVar (database versions not stated): ExAC 0.00002; gnomAD exomes 0.00002 and 0.00011.
gnomAD v4.1: 65 of 1,614,118 alleles (0.004%); highest among the groups gnomAD compares: East Asian, 0.14%; no homozygotes.

Submission:

Labcorp Genetics (formerly Invitae), Labcorp
Classification: Uncertain significance. Last evaluated: 2022-02-08. Review status: criteria provided, single submitter. Criteria: Invitae Variant Classification Sherloc (09022015). Collection method: clinical testing. Allele origin: germline.
Comment: This sequence change replaces threonine, which is neutral and polar, with alanine, which is neutral and non-polar, at codon 1319 of the MCM3AP protein (p.Thr1319Ala). This variant is present in population databases (rs750741469, gnomAD 0.03%). This variant has not been reported in the literature in individuals affected with MCM3AP-related conditions. Algorithms developed to predict the effect of missense changes on protein structure and function output the following: SIFT: "Tolerated"; PolyPhen-2: "Benign"; Align-GVGD: "Class C0". The alanine amino acid residue is found in multiple mammalian species, which suggests that this missense change does not adversely affect protein function. In summary, the available evidence is currently insufficient to determine the role of this variant in disease. Therefore, it has been classified as a Variant of Uncertain Significance.